The following is an entry in ClinVar:

NM_182641.4(BPTF):c.7032A>G (p.Gln2344=)

Gene: BPTF (bromodomain PHD finger transcription factor; plus strand). Cytogenetic location: 17q24.2.
Variant type: single nucleotide variant.
Coding change: c.7032A>G on transcript NM_182641.4 (MANE Select); coding-DNA position 7032, A replaced by G.
Protein change: p.Gln2344=; no amino-acid change (glutamine 2344 retained).
Molecular consequence: synonymous variant.
Genome position (GRCh38, 1-based): chr17:67,945,740, A>G. VCF-style: chr17-67945740-A-G. GRCh37 (hg19) VCF-style: chr17-65941856-A-G.
Other names: c.7221A>G, p.Gln2407= (NM_001439139.1, NM_001439143.1, NM_001439144.1); c.7410A>G, p.Gln2470= (NM_001439140.1, NM_001439142.1, NM_004459.7); c.7383A>G, p.Gln2461= (NM_001439141.1).
Identifiers: ClinVar variation 4083893 (VCV004083893.8).

ClinVar aggregate classification (germline): Likely benign (1 of 4 stars; one submission).

gnomAD v4.1: 35 of 1,614,138 alleles (0.0022%); highest among the groups gnomAD compares: African/African-American, 0.0093%; no homozygotes.

Submission:

CeGaT Center for Human Genetics Tuebingen
Classification: Likely benign. Last evaluated: 2025-07-01. Review status: criteria provided, single submitter. Criteria: CeGaT Center For Human Genetics Tuebingen Variant Classification Criteria Version 2. Collection method: clinical testing. Allele origin: germline. Affected: yes. Observed: 1 variant allele.
Comment: BPTF: BP4, BP7